The following is an entry in ClinVar:

NM_001122681.2(SH3BP2):c.*3638A>G

Gene: SH3BP2 (SH3 domain binding protein 2; plus strand). Cytogenetic location: 4p16.3.
Variant type: single nucleotide variant.
Coding change: c.*3638A>G on transcript NM_001122681.2 (MANE Select); 3638 bases downstream of the stop codon, A replaced by G.
Molecular consequence: 3 prime UTR variant.
Genome position (GRCh38, 1-based): chr4:2,837,472, A>G. VCF-style: chr4-2837472-A-G. GRCh37 (hg19) VCF-style: chr4-2839199-A-G.
Other names: c.*3638A>G (LRG_1334t2, LRG_1334t1, NM_001145855.2 and 2 more transcripts).
Identifiers: ClinVar variation 348662 (VCV000348662.5), dbSNP rs59295582, ClinGen allele CA10617703.

ClinVar aggregate classification (germline): Benign (1 of 4 stars; one submission).

Conditions:
Fibrous dysplasia of jaw (CRBM). Also called: Cherubism. Identifiers: Orphanet 184, MedGen C0008029, MONDO:0007315, OMIM 118400.

Allele frequency attached by ClinVar (database versions not stated): gnomAD exomes 0.00893; gnomAD 0.04818 and 0.05175; 1000 Genomes Project 0.05212; TOPMed 0.05455; 1000 Genomes Project 30x 0.05512.

Submission:

Illumina Laboratory Services, Illumina
Classification: Benign for Fibrous dysplasia of jaw. Last evaluated: 2018-01-13. Review status: criteria provided, single submitter. Criteria: ICSL Variant Classification Criteria 13 December 2019. Collection method: clinical testing. Allele origin: germline.
Comment: This variant was observed in the ICSL laboratory as part of a predisposition screen in an ostensibly healthy population. It had not been previously curated by ICSL or reported in the Human Gene Mutation Database (HGMD: prior to June 1st, 2018), and was therefore a candidate for classification through an automated scoring system. Utilizing variant allele frequency, disease prevalence and penetrance estimates, and inheritance mode, an automated score was calculated to assess if this variant is too frequent to cause the disease. Based on the score and internal cut-off values, a variant classified as benign is not then subjected to further curation. The score for this variant resulted in a classification of benign for this disease.